The following is an entry in ClinVar:

GRCh38/hg38 2q21.3(chr2:135162318-135164794)x1

Gene: RAB3GAP1 (RAB3 GTPase activating protein catalytic subunit 1; plus strand). Cytogenetic location: 2q21.3.
Variant type: copy number loss.
Change: copy number 1 (one copy instead of two) of chr2:135,162,318-135,164,794 (2.5 kb, GRCh38 coordinates, 1-based), cytogenetic band 2q21.3.
Identifiers: ClinVar variation 2579267 (VCV002579267.1).

ClinVar aggregate classification (germline): Uncertain significance (1 of 4 stars; one submission).

Conditions:
Warburg micro syndrome 1 (WARBM1). Identifiers: Orphanet 2510, MedGen C1838625, MONDO:0010822, OMIM 600118.

Submission:

Broad Center for Mendelian Genomics, Broad Institute of MIT and Harvard
Classification: Uncertain significance for Warburg micro syndrome 1. Last evaluated: 2023-08-24. Review status: criteria provided, single submitter. Criteria: ACMG/ClinGen CNV Guidelines, 2019. Collection method: research. Allele origin: unknown. Inheritance: Autosomal recessive inheritance. Affected: yes.
Comment: The presence of this deletion was validated by ddPCR. These breakpoints have been estimated by exome sequencing only and therefore may not reflect the true breakpoints. Inheritance information is unavailable. The patient phenotype is nonspecific, but is consistent with cases described in the literature and/or published databases with overlapping variants. This intragenic deletion of 4 exons is not predicted to alter the protein reading-frame and it is unclear if this deletion will impact the protein. Loss of function of RAB3GAP1 is an established disease mechanism in autosomal recessive Warburg micro syndrome. In summary, while there is some suspicion for a pathogenic role, the clinical significance of this variant is uncertain. The ACMG/ClinGen evidence codes and points used in this curation are as follows: 1: 0 points, 2: 0.45 points, 3: 0 points, 4-5: 0.30 points; Total: 0.75 points; Riggs 2020 (PMID: 31690835).